The following is an entry in ClinVar:

NM_001024630.4(RUNX2):c.1387G>T (p.Asp463Tyr)

Gene: RUNX2 (RUNX family transcription factor 2; plus strand). Cytogenetic location: 6p21.1.
Variant type: single nucleotide variant.
Coding change: c.1387G>T on transcript NM_001024630.4 (MANE Select); coding-DNA position 1387, G replaced by T.
Protein change: p.Asp463Tyr; replaces aspartic acid 463 with tyrosine.
Molecular consequence: missense variant.
Genome position (GRCh38, 1-based): chr6:45,547,126, G>T. VCF-style: chr6-45547126-G-T. GRCh37 (hg19) VCF-style: chr6-45514863-G-T.
Other names: c.1321G>T, p.Asp441Tyr (NM_001015051.4); c.1279G>T, p.Asp427Tyr (NM_001278478.2); c.1345G>T, p.Asp449Tyr (NM_001369405.1); short protein forms D427Y, D449Y, D463Y, D441Y.
Identifiers: ClinVar variation 1474938 (VCV001474938.7), dbSNP rs1378225599, ClinGen allele CA363957115.

ClinVar aggregate classification (germline): Uncertain significance. Review status: criteria provided, multiple submitters, no conflicts (2 of 4 stars). 2 submissions from 2 submitters: Uncertain significance (2). Last evaluated 2022-11-28.

Submissions (2):

Labcorp Genetics (formerly Invitae), Labcorp
Classification: Uncertain significance. Last evaluated: 2022-11-28. Review status: criteria provided, single submitter. Criteria: Invitae Variant Classification Sherloc (09022015). Collection method: clinical testing. Allele origin: germline.
Comment: In summary, the available evidence is currently insufficient to determine the role of this variant in disease. Therefore, it has been classified as a Variant of Uncertain Significance. This sequence change replaces aspartic acid, which is acidic and polar, with tyrosine, which is neutral and polar, at codon 463 of the RUNX2 protein (p.Asp463Tyr). This variant is not present in population databases (gnomAD no frequency). This variant has not been reported in the literature in individuals affected with RUNX2-related conditions. ClinVar contains an entry for this variant (Variation ID: 1474938). Advanced modeling of protein sequence and biophysical properties (such as structural, functional, and spatial information, amino acid conservation, physicochemical variation, residue mobility, and thermodynamic stability) performed at Invitae indicates that this missense variant is not expected to disrupt RUNX2 protein function.

Breakthrough Genomics
Classification: Uncertain significance. Review status: criteria provided, single submitter. Criteria: ACMG Guidelines, 2015. Collection method: not provided. Allele origin: germline. Inheritance: Autosomal dominant inheritance. Affected: yes.